The following is an entry in ClinVar:

ClinVar aggregate classification (germline): Conflicting classifications of pathogenicity. Review status: criteria provided, conflicting classifications (1 of 4 stars). 3 submissions from 3 submitters: Likely pathogenic (1); Uncertain significance (2). Last evaluated 2024-11-24.

Conditions:
Ovarian cancer. Also called: OVARIAN CANCER, SOMATIC. Identifiers: Orphanet 213500, MedGen C1140680, MONDO:0008170, OMIM 167000.

Allele frequency attached by ClinVar (database versions not stated): gnomAD exomes 0.00003 and 0.00004; ExAC 0.00007.

Submissions (3):

Ambry Genetics
Classification: Uncertain significance. Last evaluated: 2024-11-24. Review status: criteria provided, single submitter. Criteria: Ambry Variant Classification Scheme 2023. Collection method: clinical testing. Allele origin: germline.

Labcorp Genetics (formerly Invitae), Labcorp
Classification: Uncertain significance. Last evaluated: 2024-10-21. Review status: criteria provided, single submitter. Criteria: Invitae Variant Classification Sherloc (09022015). Collection method: clinical testing. Allele origin: germline.
Comment: This sequence change replaces arginine, which is basic and polar, with tryptophan, which is neutral and slightly polar, at codon 386 of the ERCC5 protein (p.Arg386Trp). This variant is present in population databases (rs758046666, gnomAD 0.05%). This variant has not been reported in the literature in individuals affected with ERCC5-related conditions. ClinVar contains an entry for this variant (Variation ID: 1436531). An algorithm developed to predict the effect of missense changes on protein structure and function (PolyPhen-2) suggests that this variant is likely to be disruptive. In summary, the available evidence is currently insufficient to determine the role of this variant in disease. Therefore, it has been classified as a Variant of Uncertain Significance.

Laboratory of Molecular Epidemiology of Birth Defects, West China Second University Hospital, Sichuan University
Classification: Likely pathogenic for Ovarian cancer. Last evaluated: 2022-01-01. Review status: criteria provided, single submitter. Criteria: ACMG Guidelines, 2015. Collection method: clinical testing. Allele origin: germline. Affected: yes.

NM_000123.4(ERCC5):c.1156C>T (p.Arg386Trp)

Genes: BIVM-ERCC5 (BIVM-ERCC5 readthrough; plus strand), ERCC5 (ERCC excision repair 5, endonuclease; plus strand). Cytogenetic location: 13q33.1.
Variant type: single nucleotide variant.
Coding change: c.1156C>T on transcript NM_000123.4 (MANE Select); coding-DNA position 1156, C replaced by T.
Protein change: p.Arg386Trp; replaces arginine 386 with tryptophan.
Molecular consequence: missense variant.
Genome position (GRCh38, 1-based): chr13:102,862,305, C>T. VCF-style: chr13-102862305-C-T. GRCh37 (hg19) VCF-style: chr13-103514655-C-T.
Other names: c.2518C>T, p.Arg840Trp (NM_001204425.2); c.2518C>T (NM_001204425.1); short protein forms R386W, R840W.
Identifiers: ClinVar variation 1436531 (VCV001436531.7), dbSNP rs758046666, ClinGen allele CA7041359.
Genomic context (GRCh38, chr13:102,862,305, plus strand): 5'-CGAAGGCAGGCCCGTGGGAGGAACGCACCTGCTGCTGTAGACGAAGGCTCCATATCACCC[C>T]GGACTCTTTCAGCCATTAAGAGAGCTCTTGACGATGACGAAGATGTAAAAGTGTGTGCTG-3'
Protein context (NP_000114.3, residues 376-396): AAVDEGSISP[Arg386Trp]TLSAIKRALD